The following is an entry in ClinVar:

NM_002439.5(MSH3):c.2841A>T (p.Lys947Asn)

Gene: MSH3 (mutS homolog 3; plus strand). Cytogenetic location: 5q14.1.
Variant type: single nucleotide variant.
Coding change: c.2841A>T on transcript NM_002439.5 (MANE Select); coding-DNA position 2841, A replaced by T.
Protein change: p.Lys947Asn; replaces lysine 947 with asparagine.
Molecular consequence: missense variant.
Genome position (GRCh38, 1-based): chr5:80,854,157, A>T. VCF-style: chr5-80854157-A-T. GRCh37 (hg19) VCF-style: chr5-80149976-A-T.
Other names: short protein forms K947N.
Identifiers: ClinVar variation 3398729 (VCV003398729.1).

ClinVar aggregate classification (germline): Uncertain significance (1 of 4 stars; one submission).

Conditions:
Hereditary cancer-predisposing syndrome. Also called: Hereditary Cancer Syndrome; Tumor predisposition; Hereditary neoplastic syndrome; Neoplastic Syndromes, Hereditary. Identifiers: Orphanet 140162, MedGen C0027672, MeSH D009386, MONDO:0015356.

Submission:

Ambry Genetics
Classification: Uncertain significance for Hereditary cancer-predisposing syndrome. Last evaluated: 2024-09-16. Review status: criteria provided, single submitter. Criteria: Ambry Variant Classification Scheme 2023. Collection method: clinical testing. Allele origin: germline.
Comment: The p.K947N variant (also known as c.2841A>T), located in coding exon 21 of the MSH3 gene, results from an A to T substitution at nucleotide position 2841. The lysine at codon 947 is replaced by asparagine, an amino acid with similar properties. This amino acid position is conserved. In addition, this alteration is predicted to be tolerated by in silico analysis. Based on the available evidence, the clinical significance of this variant remains unclear.